The following is an entry in ClinVar:

NM_000197.2(HSD17B3):c.804C>T (p.Cys268=)

Genes: SLC35D2-HSD17B3 (SLC35D2-HSD17B3 readthrough; minus strand), HSD17B3 (hydroxysteroid 17-beta dehydrogenase 3; minus strand). Cytogenetic location: 9q22.32.
Variant type: single nucleotide variant.
Coding change: c.804C>T on transcript NM_000197.2 (MANE Select); coding-DNA position 804, C replaced by T.
Protein change: p.Cys268=; no amino-acid change (cysteine 268 retained).
Molecular consequence: synonymous variant.
Genome position (GRCh38, 1-based): chr9:96,240,776, G>A on the plus strand (C>T on the coding strand, the complement: HSD17B3 is on the minus strand). VCF-style: chr9-96240776-G-A. GRCh37 (hg19) VCF-style: chr9-99003058-G-A.
Identifiers: ClinVar variation 720400 (VCV000720400.14), dbSNP rs8190555, ClinGen allele CA5140269.
Genomic context (GRCh38, chr9:96,240,776, plus strand): 5'-CCTCCCTCCCTGGCTTCAAGAAAAGGAGAAGTTATCAATTACCAAGATTTCATGGGCAAG[G>A]CAGCCACAGGTTTCACCTCCAATTGTGACATAATTCAATGACTCTTTGACAAACTCATCA-3'
Protein context (NP_000188.1, residues 258-278): YVTIGGETCG[Cys268=]LAHEILAGFL

ClinVar aggregate classification (germline): Benign/Likely benign. Review status: criteria provided, multiple submitters, no conflicts (2 of 4 stars). 4 submissions from 4 submitters: Benign (3); Likely benign (1). Last evaluated 2026-01-31.

Conditions:
Testosterone 17-beta-dehydrogenase deficiency. Also called: 17 alpha ketosteroid reductase deficiency of testis; 17 alpha KSR deficiency; Neutral 17 beta hydroxysteroid oxidoreductase deficiency; Male pseudoherma-phroditism with gynecomastia; 17-beta hydroxysteroid dehydrogenase 3 deficiency; 46,XY disorder of sex development due to 17-beta-hydroxysteroid dehydrogenase 3 deficiency. Identifiers: Orphanet 752, MedGen C0268296, MONDO:0009916, OMIM 264300. Disease mechanism: loss of function.

Allele frequency attached by ClinVar (database versions not stated): gnomAD exomes 0.00190; ExAC 0.00237; gnomAD 0.00683 and 0.00740; 1000 Genomes Project 0.00739; 1000 Genomes Project 30x 0.00812; TOPMed 0.00821; ESP Exome Variant Server 0.00830.
gnomAD v4.1: 2,281 of 1,614,154 alleles (0.14%); highest among the groups gnomAD compares: African/African-American, 2.4%; 35 homozygotes.

Submissions (4):

Labcorp Genetics (formerly Invitae), Labcorp
Classification: Benign. Last evaluated: 2026-01-31. Review status: criteria provided, single submitter. Criteria: Invitae Variant Classification Sherloc (09022015). Collection method: clinical testing. Allele origin: germline.

GeneDx
Classification: Likely benign. Last evaluated: 2021-08-22. Review status: criteria provided, single submitter. Criteria: GeneDx Variant Classification Process June 2021. Collection method: clinical testing. Allele origin: germline. Affected: yes.
Comment: See Variant Classification Assertion Criteria.

Illumina Laboratory Services, Illumina
Classification: Benign for Testosterone 17-beta-dehydrogenase deficiency. Last evaluated: 2018-01-13. Review status: criteria provided, single submitter. Criteria: ICSL Variant Classification Criteria 13 December 2019. Collection method: clinical testing. Allele origin: germline.
Comment: This variant was observed in the ICSL laboratory as part of a predisposition screen in an ostensibly healthy population. It had not been previously curated by ICSL or reported in the Human Gene Mutation Database (HGMD: prior to June 1st, 2018), and was therefore a candidate for classification through an automated scoring system. Utilizing variant allele frequency, disease prevalence and penetrance estimates, and inheritance mode, an automated score was calculated to assess if this variant is too frequent to cause the disease. Based on the score and internal cut-off values, a variant classified as benign is not then subjected to further curation. The score for this variant resulted in a classification of benign for this disease.

Breakthrough Genomics
Classification: Benign. Review status: criteria provided, single submitter. Criteria: ACMG Guidelines, 2015. Collection method: not provided. Allele origin: germline. Inheritance: Autosomal recessive inheritance. Affected: yes.